The following is an entry in ClinVar:

NM_006015.6(ARID1A):c.2241C>T (p.Ala747=)

Gene: ARID1A (AT-rich interaction domain 1A; plus strand). Cytogenetic location: 1p36.11.
Variant type: single nucleotide variant.
Coding change: c.2241C>T on transcript NM_006015.6 (MANE Select); coding-DNA position 2241, C replaced by T.
Protein change: p.Ala747=; no amino-acid change (alanine 747 retained).
Molecular consequence: synonymous variant.
Genome position (GRCh38, 1-based): chr1:26,761,463, C>T. VCF-style: chr1-26761463-C-T. GRCh37 (hg19) VCF-style: chr1-27087954-C-T.
Other names: c.2241C>T, p.Ala747= (NM_139135.4).
Identifiers: ClinVar variation 2638532 (VCV002638532.24), dbSNP rs2124059976, ClinGen allele CA416779422.

ClinVar aggregate classification (germline): Uncertain significance (1 of 4 stars; one submission).

Allele frequency attached by ClinVar (database versions not stated): gnomAD exomes below 0.00001.
gnomAD v4.1: 1 of 1,614,146 alleles (0.000062%); highest among the groups gnomAD compares: Non-Finnish European, 0.000085%; no homozygotes.

Submission:

CeGaT Center for Human Genetics Tuebingen
Classification: Uncertain significance. Last evaluated: 2022-10-01. Review status: criteria provided, single submitter. Criteria: CeGaT Center For Human Genetics Tuebingen Variant Classification Criteria Version 2. Collection method: clinical testing. Allele origin: germline. Affected: yes. Observed: 1 variant allele.
Comment: ARID1A: PM2:Supporting, BP4